The following is an entry in ClinVar:

NM_004385.5(VCAN):c.8963C>T (p.Ala2988Val)

Genes: VCAN (versican; plus strand), VCAN-AS1 (VCAN antisense RNA 1; minus strand). Cytogenetic location: 5q14.3.
Variant type: single nucleotide variant.
Coding change: c.8963C>T on transcript NM_004385.5 (MANE Select); coding-DNA position 8963, C replaced by T.
Protein change: p.Ala2988Val; replaces alanine 2988 with valine.
Molecular consequence: missense variant. On other transcripts: intron variant (2).
Genome position (GRCh38, 1-based): chr5:83,541,966, C>T. VCF-style: chr5-83541966-C-T. GRCh37 (hg19) VCF-style: chr5-82837785-C-T.
Other names: c.6002C>T, p.Ala2001Val (NM_001164097.2); c.4004-3571C>T (NM_001164098.2); c.1043-3571C>T (NM_001126336.3); short protein forms A2001V, A2988V.
Identifiers: ClinVar variation 4990581 (VCV004990581.1).

ClinVar aggregate classification (germline): Uncertain significance (1 of 4 stars; one submission).

Conditions:
VCAN-related disorder. Also called: VCAN-related condition.

gnomAD v4.1: 8 of 1,613,854 alleles (0.0005%); highest among the groups gnomAD compares: Non-Finnish European, 0.00068%; no homozygotes.

Submission:

PreventionGenetics, part of Exact Sciences
Classification: Uncertain significance for VCAN-related condition. Last evaluated: 2026-03-25. Review status: criteria provided, single submitter. Criteria: ACMG Guidelines, 2015. Collection method: clinical testing. Allele origin: germline.
Comment: The VCAN c.8963C>T variant is predicted to result in the amino acid substitution p.Ala2988Val. To our knowledge, this variant has not been reported in the literature or in a large population database (gnomAD), indicating this variant is rare. At this time, the clinical significance of this variant is uncertain due to the absence of conclusive functional and genetic evidence.